The following is an entry in ClinVar:

NM_024596.5(MCPH1):c.322-2A>G

Gene: MCPH1 (microcephalin 1; plus strand). Cytogenetic location: 8p23.1.
Variant type: single nucleotide variant.
Coding change: c.322-2A>G on transcript NM_024596.5 (MANE Select); the canonical splice acceptor site of the intron before coding-DNA position 322, A replaced by G.
Molecular consequence: splice acceptor variant.
Genome position (GRCh38, 1-based): chr8:6,436,046, A>G. VCF-style: chr8-6436046-A-G. GRCh37 (hg19) VCF-style: chr8-6293567-A-G.
Other names: c.322-2A>G (NM_001322042.2, NM_001363980.2, NM_001363979.1 and 4 more transcripts); c.316-2A>G (NM_001322043.2); c.220-2A>G (NM_001322045.2).
Identifiers: ClinVar variation 2067987 (VCV002067987.1), dbSNP rs2486025277, ClinGen allele CA370217370.

ClinVar aggregate classification (germline): Likely pathogenic (1 of 4 stars; one submission).

Submission:

Labcorp Genetics (formerly Invitae), Labcorp
Classification: Likely pathogenic. Last evaluated: 2017-11-16. Review status: criteria provided, single submitter. Criteria: Invitae Variant Classification Sherloc (09022015). Collection method: clinical testing. Allele origin: germline.
Comment: This sequence change affects an acceptor splice site in intron 4 of the MCPH1 gene. It is expected to disrupt RNA splicing and likely results in an absent or disrupted protein product. This variant is not present in population databases (ExAC no frequency). This variant has not been reported in the literature in individuals with MCPH1-related disease. Algorithms developed to predict the effect of sequence changes on RNA splicing suggest that this variant may disrupt the consensus splice site, but this prediction has not been confirmed by published transcriptional studies. Donor and acceptor splice site variants typically lead to a loss of protein function (PMID: 16199547), and loss-of-function variants in MCPH1 are known to be pathogenic (PMID: 20978018). In summary, the currently available evidence indicates that the variant is pathogenic, but additional data are needed to prove that conclusively. Therefore, this variant has been classified as Likely Pathogenic.

Literature cited by the submitters: PubMed 16199547; PubMed 20978018.